The following is an entry in ClinVar:

NM_206933.4(USH2A):c.454G>C (p.Val152Leu)

Gene: USH2A (usherin; minus strand). Cytogenetic location: 1q41.
Variant type: single nucleotide variant.
Coding change: c.454G>C on transcript NM_206933.4 (MANE Select); coding-DNA position 454, G replaced by C.
Protein change: p.Val152Leu; replaces valine 152 with leucine.
Molecular consequence: missense variant.
Genome position (GRCh38, 1-based): chr1:216,421,883, C>G on the plus strand (G>C on the coding strand, the complement: USH2A is on the minus strand). VCF-style: chr1-216421883-C-G. GRCh37 (hg19) VCF-style: chr1-216595225-C-G.
Other names: c.454G>C, p.Val152Leu (NM_007123.6); short protein forms V152L.
Identifiers: ClinVar variation 2092742 (VCV002092742.4), dbSNP rs2039682307, ClinGen allele CA344903751.
Genomic context (GRCh38, chr1:216,421,883, plus strand): 5'-TGAAAGCTTATACCTACACTACTACTTACATTACACCTTGTTGCTCAGGTTTCAGCCATA[C>G]AGCTAAGGTAAATGATGCCATCAGCTTTGGAGAAGGAGGAGAAGAAAAGCAGCTCTTGTG-3'
Protein context (NP_996816.3, residues 142-162): PKLMASFTLA[Val152Leu]WLKPEQQGVM

ClinVar aggregate classification (germline): Uncertain significance (1 of 4 stars; one submission).

Submission:

Labcorp Genetics (formerly Invitae), Labcorp
Classification: Uncertain significance. Last evaluated: 2022-02-04. Review status: criteria provided, single submitter. Criteria: Invitae Variant Classification Sherloc (09022015). Collection method: clinical testing. Allele origin: germline.
Comment: This variant has not been reported in the literature in individuals affected with USH2A-related conditions. Algorithms developed to predict the effect of missense changes on protein structure and function are either unavailable or do not agree on the potential impact of this missense change (SIFT: "Deleterious"; PolyPhen-2: "Benign"; Align-GVGD: "Class C0"). In summary, the available evidence is currently insufficient to determine the role of this variant in disease. Therefore, it has been classified as a Variant of Uncertain Significance. This variant is not present in population databases (gnomAD no frequency). This sequence change replaces valine, which is neutral and non-polar, with leucine, which is neutral and non-polar, at codon 152 of the USH2A protein (p.Val152Leu).